The following is an entry in ClinVar:

NM_133478.3(SLC4A5):c.1932C>T (p.Ile644=)

Gene: SLC4A5 (solute carrier family 4 member 5; minus strand). Cytogenetic location: 2p13.1.
Variant type: single nucleotide variant.
Coding change: c.1932C>T on transcript NM_133478.3 (MANE Select); coding-DNA position 1932, C replaced by T.
Protein change: p.Ile644=; no amino-acid change (isoleucine 644 retained).
Molecular consequence: synonymous variant.
Genome position (GRCh38, 1-based): chr2:74,247,163, G>A on the plus strand (C>T on the coding strand, the complement: SLC4A5 is on the minus strand). VCF-style: chr2-74247163-G-A. GRCh37 (hg19) VCF-style: chr2-74474290-G-A.
Other names: c.1584C>T, p.Ile528= (NM_001386136.1); c.1932C>T, p.Ile644= (NM_021196.3).
Identifiers: ClinVar variation 3052986 (VCV003052986.2), dbSNP rs146215380, ClinGen allele CA1720651.

ClinVar aggregate classification (germline): Likely benign (0 of 4 stars; one submission).

Conditions:
SLC4A5-related disorder. Also called: SLC4A5-related condition.

Allele frequency attached by ClinVar (database versions not stated): gnomAD 0.00010; TOPMed 0.00010; ExAC 0.00012; ESP Exome Variant Server 0.00023; gnomAD exomes 0.00031.
gnomAD v4.1: 462 of 1,614,126 alleles (0.029%); highest among the groups gnomAD compares: Non-Finnish European, 0.037%; no homozygotes.

Submission:

PreventionGenetics, part of Exact Sciences
Classification: Likely benign for SLC4A5-related condition. Last evaluated: 2019-09-05. Review status: no assertion criteria provided. Collection method: clinical testing. Allele origin: germline.
Comment: This variant is classified as likely benign based on ACMG/AMP sequence variant interpretation guidelines (Richards et al. 2015 PMID: 25741868, with internal and published modifications).